The following is an entry in ClinVar:

NM_001267550.2(TTN):c.7119del (p.Gln2374fs)

Genes: TTN (titin; minus strand), LOC126806433 (BRD4-independent group 4 enhancer GRCh37_chr2:179638309-179639508; plus strand). Cytogenetic location: 2q31.2.
Variant type: Deletion.
Coding change: c.7119del on transcript NM_001267550.2 (MANE Select); coding-DNA position 7119, one base deleted (T; older notation c.7119delT).
Protein change: p.Gln2374fs; shifts the reading frame from glutamine 2374.
Molecular consequence: frameshift variant.
Genome position (GRCh38, 1-based): chr2:178,774,049, A deleted on the plus strand (T on the coding strand, the reverse complement: TTN is on the minus strand); the first of 2 consecutive A bases (chr2:178,774,049-178,774,050); deleting either gives the same sequence. VCF-style (leftmost placement, unchanged base first): chr2-178774048-GA-G. GRCh37 (hg19) VCF-style: chr2-179638775-GA-G.
Other names: c.7119del, p.Gln2374fs (NM_001256850.1, NM_133378.4, NM_133379.5); c.6981del, p.Gln2328fs (NM_003319.4, NM_133432.3, NM_133437.4); short protein forms Q2328fs, Q2374fs.
Identifiers: ClinVar variation 4784323 (VCV004784323.1).

ClinVar aggregate classification (germline): Likely pathogenic (1 of 4 stars; one submission).

Conditions:
Dilated cardiomyopathy 1G (CMD1G). Identifiers: Orphanet 154, MedGen C1858763, MONDO:0011400, OMIM 604145.
Autosomal recessive limb-girdle muscular dystrophy type 2J (LGMDR10). Also called: Limb-girdle muscular dystrophy, type 2J; MUSCULAR DYSTROPHY, LIMB-GIRDLE, AUTOSOMAL RECESSIVE 10. Identifiers: Orphanet 140922, MedGen C1837342, MONDO:0012127, OMIM 608807.

Submission:

Labcorp Genetics (formerly Invitae), Labcorp
Classification: Likely pathogenic for Dilated cardiomyopathy 1G; Autosomal recessive limb-girdle muscular dystrophy type 2J. Last evaluated: 2025-03-03. Review status: criteria provided, single submitter. Criteria: Invitae Variant Classification Sherloc (09022015). Collection method: clinical testing. Allele origin: germline.
Comment: This sequence change creates a premature translational stop signal (p.Gln2374Serfs*16) in the TTN gene. While this is not anticipated to result in nonsense mediated decay, it is expected to create a truncated TTN protein. This variant is not present in population databases (gnomAD no frequency). This variant has not been reported in the literature in individuals affected with TTN-related conditions. This variant is located in the I band of TTN (PMID: 25589632). Truncating variants in this region have been reported in individuals affected with autosomal recessive centronuclear myopathy (PMID: 23975875, internal data). Truncating variants in this region have also been identified in individuals affected with autosomal dominant dilated cardiomyopathy and/or cardio-related conditions (PMID: 27869827, 32964742, internal data). In summary, the currently available evidence indicates that the variant is pathogenic, but additional data are needed to prove that conclusively. Therefore, this variant has been classified as Likely Pathogenic.

Literature cited by the submitters: PubMed 25589632; PubMed 23975875; PubMed 27869827; PubMed 32964742.